The following is an entry in ClinVar:

ClinVar aggregate classification (germline): Uncertain significance (1 of 4 stars; one submission).

Submission:

GeneDx
Classification: Uncertain significance. Last evaluated: 2024-03-12. Review status: criteria provided, single submitter. Criteria: GeneDx Variant Classification Process June 2021. Collection method: clinical testing. Allele origin: germline. Affected: yes.
Comment: Not observed at significant frequency in large population cohorts (gnomAD); In silico analysis supports that this missense variant does not alter protein structure/function; Has not been previously published as pathogenic or benign to our knowledge

NM_000719.7(CACNA1C):c.4337C>A (p.Pro1446His)

Gene: CACNA1C (calcium voltage-gated channel subunit alpha1 C; plus strand). Cytogenetic location: 12p13.33.
Variant type: single nucleotide variant.
Coding change: c.4337C>A on transcript NM_000719.7 (MANE Select); coding-DNA position 4337, C replaced by A.
Protein change: p.Pro1446His; replaces proline 1446 with histidine.
Molecular consequence: missense variant.
Genome position (GRCh38, 1-based): chr12:2,664,929, C>A. VCF-style: chr12-2664929-C-A. GRCh37 (hg19) VCF-style: chr12-2774095-C-A.
Other names: c.4481C>A, p.Pro1494His (NM_001129827.2, NM_199460.4); c.4403C>A, p.Pro1468His (NM_001129829.2); c.4337C>A, p.Pro1446His (NM_001129830.3, NM_001129833.2, NM_001129834.2 and 7 more transcripts); c.4421C>A, p.Pro1474His (NM_001129831.2); c.4397C>A, p.Pro1466His (NM_001129832.2); c.4388C>A, p.Pro1463His (NM_001129836.2); c.4304C>A, p.Pro1435His (NM_001129837.2, NM_001129838.2, NM_001129846.2 and 1 more transcripts); c.4298C>A, p.Pro1433His (NM_001129839.2); and 1 more; short protein forms P1433H, P1435H, P1443H, P1446H, P1463H, P1466H, P1468H, P1474H.
Identifiers: ClinVar variation 3340415 (VCV003340415.1).
Genomic context (GRCh38, chr12:2,664,929, plus strand): 5'-TGCCAGGCAAGAAGTGTGCCCCAGAGTCCGAGCCCAGCAACAGCACGGAGGGTGAAACAC[C>A]CTGTGGTAGCAGCTTTGCTGTCTTCTACTTCATCAGCTTCTACATGCTCTGTGCCTTCCT-3'
Protein context (NP_000710.5, residues 1436-1456): EPSNSTEGET[Pro1446His]CGSSFAVFYF